The following is an entry in ClinVar:

ClinVar aggregate classification (germline): Pathogenic. Review status: criteria provided, multiple submitters, no conflicts (2 of 4 stars). 5 submissions from 5 submitters: Pathogenic (4). 1 of the submissions does not count toward it. Last evaluated 2025-01-06.

Conditions:
Pyridoxine-dependent epilepsy (EPEO4). Also called: Pyridoxine-Dependent Epilepsy - ALDH7A1; PYRIDOXINE DEPENDENCY WITH SEIZURES; EPILEPSY, EARLY-ONSET, 4, VITAMIN B6-DEPENDENT; Pyridoxine-Dependent Seizures. Identifiers: Orphanet 3006, MedGen C1849508, MONDO:0009945, OMIM 266100. Disease mechanism: loss of function.

gnomAD v4.1: 2 of 1,600,814 alleles (0.00012%); highest among the groups gnomAD compares: South Asian, 0.0011%; no homozygotes.

Submissions (5):

Revvity Omics, Revvity
Classification: Pathogenic for Pyridoxine-dependent epilepsy. Last evaluated: 2025-01-06. Review status: criteria provided, single submitter. Criteria: ACMG Guidelines, 2015. Collection method: clinical testing. Allele origin: germline.

Fulgent Genetics
Classification: Pathogenic for Pyridoxine-dependent epilepsy. Last evaluated: 2024-03-28. Review status: criteria provided, single submitter. Criteria: ACMG Guidelines, 2015. Collection method: clinical testing. Allele origin: germline.

Labcorp Genetics (formerly Invitae), Labcorp
Classification: Pathogenic for Pyridoxine-dependent epilepsy. Last evaluated: 2023-09-08. Review status: criteria provided, single submitter. Criteria: Invitae Variant Classification Sherloc (09022015). Collection method: clinical testing. Allele origin: germline.
Comment: This premature translational stop signal has been observed in individual(s) with clinical features of ALDH7A1-related conditions (PMID: 30043187). The frequency data for this variant in the population databases is considered unreliable, as metrics indicate poor data quality at this position in the gnomAD database. This sequence change creates a premature translational stop signal (p.Gly63*) in the ALDH7A1 gene. It is expected to result in an absent or disrupted protein product. Loss-of-function variants in ALDH7A1 are known to be pathogenic (PMID: 16491085, 20554659). ClinVar contains an entry for this variant (Variation ID: 1341558). For these reasons, this variant has been classified as Pathogenic.

Neuberg Centre For Genomic Medicine, NCGM
Classification: Pathogenic for Pyridoxine-dependent epilepsy. Review status: criteria provided, single submitter. Criteria: ACMG Guidelines, 2015. Collection method: clinical testing. Allele origin: germline. Inheritance: Autosomal recessive inheritance. Affected: yes.
Comment: The stop gained c.187G>Tp.Gly63Ter variant in ALDH7A1 gene has not been reported previously as a pathogenic variant nor a benign variant, to our knowledge. The c.187G>T variant has been reported with allele frequency of 0.0008% in gnomAD Exomes and is novel not in any individuals in 1000 Genomes. This variant has been reported to the ClinVar database as Likely Pathogenic. The nucleotide change c.187G>T in ALDH7A1 is predicted as conserved by GERP++ and PhyloP across 100 vertebrates. This sequence change creates a premature translational stop signal p.Gly63Ter in the ALDH7A1 gene. This variant is predicted to cause loss of normal protein function through protein truncation. Loss of function variants have been previously reported to be disease causing. For these reasons, this variant has been classified as Pathogenic.

Institute of Medical Genetics and Genomics, Sir Ganga Ram Hospital
Classification: Likely pathogenic for Pyridoxine-dependent epilepsy. Last evaluated: 2022-02-15. Review status: no assertion criteria provided. Collection method: clinical testing. Allele origin: germline. Inheritance: Autosomal recessive inheritance. Affected: yes. Observed: 1 compound heterozygote. Not counted in ClinVar's aggregate classification.
Comment: This novel heterozygous variant c.187G>T (p.Gly63Ter) is present in a compound heterozygous state with c.1411_1412insG (p.Leu471ArgfsTer4). Seizures have responded to Pyridoxine supplementation.

Literature cited by the submitters: PubMed 30043187 (cited by Labcorp Genetics (formerly Invitae), Labcorp); PubMed 16491085 (cited by Labcorp Genetics (formerly Invitae), Labcorp); PubMed 20554659 (cited by Labcorp Genetics (formerly Invitae), Labcorp).

NM_001182.5(ALDH7A1):c.187G>T (p.Gly63Ter)

Gene: ALDH7A1 (aldehyde dehydrogenase 7 family member A1; minus strand). Cytogenetic location: 5q23.2.
Variant type: single nucleotide variant.
Coding change: c.187G>T on transcript NM_001182.5 (MANE Select); coding-DNA position 187, G replaced by T.
Protein change: p.Gly63Ter; replaces glycine 63 with a stop codon.
Molecular consequence: nonsense.
Genome position (GRCh38, 1-based): chr5:126,595,012, C>A on the plus strand (G>T on the coding strand, the complement: ALDH7A1 is on the minus strand). VCF-style: chr5-126595012-C-A. GRCh37 (hg19) VCF-style: chr5-125930704-C-A.
Other names: c.103G>T, p.Gly35Ter (NM_001201377.2); c.187G>T, p.Gly63Ter (NM_001202404.2); short protein forms G35*, G63*.
Identifiers: ClinVar variation 1341558 (VCV001341558.8), dbSNP rs760636660, ClinGen allele CA3389909.